The following is an entry in ClinVar:

NM_004385.5(VCAN):c.5750A>T (p.Tyr1917Phe)

Genes: VCAN (versican; plus strand), VCAN-AS1 (VCAN antisense RNA 1; minus strand). Cytogenetic location: 5q14.3.
Variant type: single nucleotide variant.
Coding change: c.5750A>T on transcript NM_004385.5 (MANE Select); coding-DNA position 5750, A replaced by T.
Protein change: p.Tyr1917Phe; replaces tyrosine 1917 with phenylalanine.
Molecular consequence: missense variant. On other transcripts: intron variant (2).
Genome position (GRCh38, 1-based): chr5:83,538,753, A>T. VCF-style: chr5-83538753-A-T. GRCh37 (hg19) VCF-style: chr5-82834572-A-T.
Other names: c.2789A>T, p.Tyr930Phe (NM_001164097.2); c.4004-6784A>T (NM_001164098.2); c.1043-6784A>T (NM_001126336.3); short protein forms Y1917F, Y930F.
Identifiers: ClinVar variation 259370 (VCV000259370.17), dbSNP rs141477510, ClinGen allele CA3333374.

ClinVar aggregate classification (germline): Benign/Likely benign. Review status: criteria provided, multiple submitters, no conflicts (2 of 4 stars). 3 submissions from 3 submitters: Benign (2); Likely benign (1). Last evaluated 2026-01-05.

Conditions:
Vitreoretinopathy. Also called: Vitreoretinal degeneration. Identifiers: MedGen C0344290, MONDO:0020248, HP:0007773.

Allele frequency attached by ClinVar (database versions not stated): ExAC 0.00049; ESP Exome Variant Server 0.00146; gnomAD 0.00208 and 0.00225; TOPMed 0.00274; 1000 Genomes Project 0.00319; 1000 Genomes Project 30x 0.00328.
gnomAD v4.1: 633 of 1,614,050 alleles (0.039%); highest among the groups gnomAD compares: African/African-American, 0.64%; 3 homozygotes.

Submissions (3):

Labcorp Genetics (formerly Invitae), Labcorp
Classification: Benign. Last evaluated: 2026-01-05. Review status: criteria provided, single submitter. Criteria: Invitae Variant Classification Sherloc (09022015). Collection method: clinical testing. Allele origin: germline.

Illumina Laboratory Services, Illumina
Classification: Benign for Vitreoretinopathy. Last evaluated: 2018-01-13. Review status: criteria provided, single submitter. Criteria: ICSL Variant Classification Criteria 13 December 2019. Collection method: clinical testing. Allele origin: germline.
Comment: This variant was observed in the ICSL laboratory as part of a predisposition screen in an ostensibly healthy population. It had not been previously curated by ICSL or reported in the Human Gene Mutation Database (HGMD: prior to June 1st, 2018), and was therefore a candidate for classification through an automated scoring system. Utilizing variant allele frequency, disease prevalence and penetrance estimates, and inheritance mode, an automated score was calculated to assess if this variant is too frequent to cause the disease. Based on the score and internal cut-off values, a variant classified as benign is not then subjected to further curation. The score for this variant resulted in a classification of benign for this disease.

PreventionGenetics, part of Exact Sciences
Classification: Likely benign. Review status: criteria provided, single submitter. Criteria: ACMG Guidelines, 2015. Collection method: clinical testing. Allele origin: germline.